The following is an entry in ClinVar:

ClinVar aggregate classification (germline): Uncertain significance (1 of 4 stars; one submission).

gnomAD v4.1: 1 of 1,612,890 alleles (0.000062%); highest among the groups gnomAD compares: Admixed American, 0.0017%; no homozygotes.

Submission:

GeneDx
Classification: Uncertain significance. Last evaluated: 2023-07-18. Review status: criteria provided, single submitter. Criteria: GeneDx Variant Classification Process June 2021. Collection method: clinical testing. Allele origin: germline. Affected: yes.
Comment: Not observed at significant frequency in large population cohorts (gnomAD); In silico analysis supports that this missense variant has a deleterious effect on protein structure/function; Has not been previously published as pathogenic or benign to our knowledge

NM_014491.4(FOXP2):c.1102A>C (p.Asn368His)

Gene: FOXP2 (forkhead box P2; plus strand). Cytogenetic location: 7q31.1.
Variant type: single nucleotide variant.
Coding change: c.1102A>C on transcript NM_014491.4 (MANE Select); coding-DNA position 1102, A replaced by C.
Protein change: p.Asn368His; replaces asparagine 368 with histidine.
Molecular consequence: missense variant. On other transcripts: non-coding transcript variant (2).
Genome position (GRCh38, 1-based): chr7:114,652,210, A>C. VCF-style: chr7-114652210-A-C. GRCh37 (hg19) VCF-style: chr7-114292265-A-C.
Other names: c.1099A>C, p.Asn367His (NM_001172766.3); c.1177A>C, p.Asn393His (NM_001172767.2, NM_148898.4); c.1102A>C, p.Asn368His (NM_148899.3); c.1153A>C, p.Asn385His (NM_148900.4); short protein forms N367H, N368H, N385H, N393H.
Identifiers: ClinVar variation 3361301 (VCV003361301.1).